The following is an entry in ClinVar:

NM_024408.4(NOTCH2):c.5368A>T (p.Thr1790Ser)

Gene: NOTCH2 (notch receptor 2; minus strand). Cytogenetic location: 1p12.
Variant type: single nucleotide variant.
Coding change: c.5368A>T on transcript NM_024408.4 (MANE Select); coding-DNA position 5368, A replaced by T.
Protein change: p.Thr1790Ser; replaces threonine 1790 with serine.
Molecular consequence: missense variant.
Genome position (GRCh38, 1-based): chr1:119,920,340, T>A on the plus strand (A>T on the coding strand, the complement: NOTCH2 is on the minus strand). VCF-style: chr1-119920340-T-A. GRCh37 (hg19) VCF-style: chr1-120462963-T-A.
Other names: short protein forms T1790S.
Identifiers: ClinVar variation 2757285 (VCV002757285.3), dbSNP rs1489930895, ClinGen allele CA341885666.

ClinVar aggregate classification (germline): Uncertain significance (1 of 4 stars; one submission).

Conditions:
Hajdu-Cheney syndrome (HJCYS). Also called: Acroosteolysis dominant type; ACROOSTEOLYSIS WITH OSTEOPOROSIS AND CHANGES IN SKULL AND MANDIBLE; SERPENTINE FIBULA-POLYCYSTIC KIDNEY SYNDROME. Identifiers: Orphanet 955, MedGen C0917715, MONDO:0007057, OMIM 102500.

Submission:

Labcorp Genetics (formerly Invitae), Labcorp
Classification: Uncertain significance for Hajdu-Cheney syndrome. Last evaluated: 2023-12-07. Review status: criteria provided, single submitter. Criteria: Invitae Variant Classification Sherloc (09022015). Collection method: clinical testing. Allele origin: germline.
Comment: This sequence change replaces threonine, which is neutral and polar, with serine, which is neutral and polar, at codon 1790 of the NOTCH2 protein (p.Thr1790Ser). This variant is not present in population databases (gnomAD no frequency). This variant has not been reported in the literature in individuals affected with NOTCH2-related conditions. Advanced modeling of protein sequence and biophysical properties (such as structural, functional, and spatial information, amino acid conservation, physicochemical variation, residue mobility, and thermodynamic stability) performed at Invitae indicates that this missense variant is not expected to disrupt NOTCH2 protein function with a negative predictive value of 80%. In summary, the available evidence is currently insufficient to determine the role of this variant in disease. Therefore, it has been classified as a Variant of Uncertain Significance.